The following is an entry in ClinVar:

ClinVar aggregate classification (germline): Uncertain significance (1 of 4 stars; one submission).

Conditions:
PRR12-related disorder. Also called: PRR12-related condition.

Allele frequency attached by ClinVar (database versions not stated): gnomAD exomes below 0.00001.

Submission:

PreventionGenetics, part of Exact Sciences
Classification: Uncertain significance for PRR12-related condition. Last evaluated: 2023-03-13. Review status: criteria provided, single submitter. Criteria: ACMG Guidelines, 2015. Collection method: clinical testing. Allele origin: germline.
Comment: The PRR12 c.4066G>A variant is predicted to result in the amino acid substitution p.Gly1356Arg. To our knowledge, this variant has not been reported in the literature or in a large population database, indicating this variant is rare. At this time, the clinical significance of this variant is uncertain due to the absence of conclusive functional and genetic evidence.

NM_020719.3(PRR12):c.4066G>A (p.Gly1356Arg)

Gene: PRR12 (proline rich 12; plus strand). Cytogenetic location: 19q13.33.
Variant type: single nucleotide variant.
Coding change: c.4066G>A on transcript NM_020719.3 (MANE Select); coding-DNA position 4066, G replaced by A.
Protein change: p.Gly1356Arg; replaces glycine 1356 with arginine.
Molecular consequence: missense variant.
Genome position (GRCh38, 1-based): chr19:49,599,659, G>A. VCF-style: chr19-49599659-G-A. GRCh37 (hg19) VCF-style: chr19-50102916-G-A.
Other names: short protein forms G1356R.
Identifiers: ClinVar variation 2633492 (VCV002633492.1), dbSNP rs2514277824, ClinGen allele CA406890314.